The following is an entry in ClinVar:

ClinVar aggregate classification (germline): Uncertain significance. Review status: criteria provided, multiple submitters, no conflicts (2 of 4 stars). 3 submissions from 3 submitters: Uncertain significance (3). Last evaluated 2026-01-19.

Conditions:
Hereditary cancer-predisposing syndrome. Also called: Tumor predisposition; Hereditary Cancer Syndrome; Hereditary neoplastic syndrome; Neoplastic Syndromes, Hereditary. Identifiers: Orphanet 140162, MedGen C0027672, MeSH D009386, MONDO:0015356.
Hereditary nonpolyposis colorectal neoplasms. Identifiers: MedGen C0009405, MeSH D003123.

Allele frequency attached by ClinVar (database versions not stated): gnomAD exomes below 0.00001.
gnomAD v4.1: 1 of 1,612,512 alleles (0.000062%); highest among the groups gnomAD compares: Non-Finnish European, 0.000085%; no homozygotes.

Submissions (3):

Labcorp Genetics (formerly Invitae), Labcorp
Classification: Uncertain significance for Hereditary nonpolyposis colorectal neoplasms. Last evaluated: 2026-01-19. Review status: criteria provided, single submitter. Criteria: Invitae Variant Classification Sherloc (09022015). Collection method: clinical testing. Allele origin: germline.
Comment: This sequence change replaces leucine, which is neutral and non-polar, with valine, which is neutral and non-polar, at codon 359 of the PMS2 protein (p.Leu359Val). This variant is not present in population databases (gnomAD no frequency). This variant has not been reported in the literature in individuals affected with PMS2-related conditions. ClinVar contains an entry for this variant (Variation ID: 182802). Invitae Evidence Modeling incorporating data from in vitro experimental studies (internal data) indicates that this missense variant is not expected to disrupt PMS2 function with a negative predictive value of 95%. In summary, the available evidence is currently insufficient to determine the role of this variant in disease. Therefore, it has been classified as a Variant of Uncertain Significance.

Ambry Genetics
Classification: Uncertain significance for Hereditary cancer-predisposing syndrome. Last evaluated: 2025-03-19. Review status: criteria provided, single submitter. Criteria: Ambry Variant Classification Scheme 2023. Collection method: clinical testing. Allele origin: germline.
Comment: The p.L359V variant (also known as c.1075T>G), located in coding exon 10 of the PMS2 gene, results from a T to G substitution at nucleotide position 1075. The leucine at codon 359 is replaced by valine, an amino acid with highly similar properties. This amino acid position is highly conserved in available vertebrate species. In addition, the in silico prediction for this alteration is inconclusive. Based on the available evidence, the clinical significance of this variant remains unclear.

GeneDx
Classification: Uncertain significance. Last evaluated: 2015-04-03. Review status: criteria provided, single submitter. Criteria: GeneDx Variant Classification (06012015). Collection method: clinical testing. Allele origin: germline. Affected: yes.
Comment: This variant is denoted PMS2 c.1075T>G at the cDNA level, p.Leu359Val (L359V) at the protein level, and results in the change of a Leucine to a Valine (TTG>GTG). This variant has not, to our knowledge, been published in the literature as pathogenic or benign. PMS2 Leu359Val was not observed in approximately 6,500 individuals of European and African American ancestry in the NHLBI Exome Sequencing Project, indicating it is not a common benign variant in these populations. Since Leucine and Valine share similar properties, this is considered a conservative amino acid substitution. PMS2 Leu359Val occurs at a position that is highly conserved across species and is located in the ATPase domain (Fukui 2011). In silico analyses are inconsistent regarding the effect this variant may have on protein structure and function. Based on currently available information, it is unclear whether PMS2 Leu359Val is pathogenic or benign. We consider it to be a variant of uncertain significance.

NM_000535.7(PMS2):c.1075T>G (p.Leu359Val)

Gene: PMS2 (PMS1 homolog 2, mismatch repair system component; minus strand). Cytogenetic location: 7p22.1.
Variant type: single nucleotide variant.
Coding change: c.1075T>G on transcript NM_000535.7 (MANE Select); coding-DNA position 1075, T replaced by G.
Protein change: p.Leu359Val; replaces leucine 359 with valine.
Molecular consequence: missense variant. On other transcripts: non-coding transcript variant (1), intron variant (2).
Genome position (GRCh38, 1-based): chr7:5,989,869, A>C on the plus strand (T>G on the coding strand, the complement: PMS2 is on the minus strand). VCF-style: chr7-5989869-A-C. GRCh37 (hg19) VCF-style: chr7-6029500-A-C.
Other names: p.L359V:TTG>GTG; c.670T>G, p.Leu224Val (NM_001322003.2, NM_001322004.2, NM_001322005.2 and 1 more transcripts); c.757T>G, p.Leu253Val (NM_001322007.2, NM_001322008.2); c.142T>G, p.Leu48Val (NM_001322011.2, NM_001322012.2); c.502T>G, p.Leu168Val (NM_001322013.2); c.1075T>G, p.Leu359Val (NM_001322014.2); c.766T>G, p.Leu256Val (NM_001322015.2); c.583+2104T>G (NM_001322010.2); and 1 more; short protein forms L359V, L168V, L224V, L253V, L256V, L48V.
Identifiers: ClinVar variation 182802 (VCV000182802.18), dbSNP rs730881910, ClinGen allele CA009168.